The following is an entry in ClinVar:

ClinVar aggregate classification (germline): Uncertain significance. Review status: criteria provided, multiple submitters, no conflicts (2 of 4 stars). 2 submissions from 2 submitters: Uncertain significance (2). Last evaluated 2025-08-24.

Conditions:
Familial adenomatous polyposis 1 (FAP1). Also called: POLYPOSIS, ADENOMATOUS INTESTINAL; FAMILIAL ADENOMATOUS POLYPOSIS 1, ATTENUATED. Identifiers: MedGen C2713442, MONDO:0021056, OMIM 175100. Disease mechanism: loss of function.

gnomAD v4.1: 2 of 1,610,538 alleles (0.00012%); highest among the groups gnomAD compares: Non-Finnish European, 0.00017%; no homozygotes.

Submissions (2):

Labcorp Genetics (formerly Invitae), Labcorp
Classification: Uncertain significance for Familial adenomatous polyposis 1. Last evaluated: 2025-08-24. Review status: criteria provided, single submitter. Criteria: Invitae Variant Classification Sherloc (09022015). Collection method: clinical testing. Allele origin: germline.
Comment: This sequence change falls in intron 13 of the APC gene. It does not directly change the encoded amino acid sequence of the APC protein. It affects a nucleotide within the consensus splice site. This variant is not present in population databases (gnomAD no frequency). This variant has not been reported in the literature in individuals affected with APC-related conditions. ClinVar contains an entry for this variant (Variation ID: 633038). Variants that disrupt the consensus splice site are a relatively common cause of aberrant splicing (PMID: 17576681, 9536098). Algorithms developed to predict the effect of sequence changes on RNA splicing suggest that this variant is not likely to affect RNA splicing. In summary, the available evidence is currently insufficient to determine the role of this variant in disease. Therefore, it has been classified as a Variant of Uncertain Significance.

Women's Health and Genetics/Laboratory Corporation of America, LabCorp
Classification: Uncertain significance. Last evaluated: 2017-09-07. Review status: criteria provided, single submitter. Criteria: LabCorp Variant Classification Summary - May 2015. Collection method: clinical testing. Allele origin: germline.
Comment: Variant summary: The APC c.1626+6A>G variant involves the alteration of a non-conserved intronic nucleotide and 5/5 splice prediction tools predict no significant impact on normal splicing. However, these predictions have yet to be confirmed by functional studies. This variant was found in 2/244810 control chromosomes at a frequency of 0.0000082, which does not exceed the estimated maximal expected allele frequency of a pathogenic APC variant (0.0000714). The variant of interest has not, to our knowledge, been reported in affected individuals via publications and/or reputable databases/clinical diagnostic laboratories. Because of the absence of clinical information and the lack of functional studies, the variant is classified as a "Variant of Uncertain Significance (VUS)," until additional information becomes available.

Literature cited by the submitters: PubMed 17576681 (cited by Labcorp Genetics (formerly Invitae), Labcorp); PubMed 9536098 (cited by Labcorp Genetics (formerly Invitae), Labcorp).

NM_000038.6(APC):c.1626+6A>G

Gene: APC (APC regulator of Wnt signaling pathway; plus strand). Cytogenetic location: 5q22.2.
Variant type: single nucleotide variant.
Coding change: c.1626+6A>G on transcript NM_000038.6 (MANE Select); 6 bases into the intron after coding-DNA position 1626, A replaced by G.
Molecular consequence: intron variant.
Genome position (GRCh38, 1-based): chr5:112,828,012, A>G. VCF-style: chr5-112828012-A-G. GRCh37 (hg19) VCF-style: chr5-112163709-A-G.
Other names: c.1626+6A>G (NM_001354895.2, NM_001127510.3); c.1656+6A>G (NM_001354897.2); c.1353+6A>G (NM_001354902.2); c.1572+6A>G (NM_001127511.3); c.1551+6A>G (NM_001354898.2); c.1248+6A>G (NM_001354904.2); c.777+6A>G (NM_001354906.2); c.1680+6A>G (NM_001354896.2); and 5 more.
Identifiers: ClinVar variation 633038 (VCV000633038.5), dbSNP rs1197354854, ClinGen allele CA802039173.